The following is an entry in ClinVar:

ClinVar aggregate classification (germline): Uncertain significance. Review status: criteria provided, multiple submitters, no conflicts (2 of 4 stars). 2 submissions from 2 submitters: Uncertain significance (2). Last evaluated 2026-08-17.

Conditions:
Hereditary cancer-predisposing syndrome. Also called: Hereditary Cancer Syndrome; Tumor predisposition; Hereditary neoplastic syndrome; Neoplastic Syndromes, Hereditary. Identifiers: Orphanet 140162, MedGen C0027672, MeSH D009386, MONDO:0015356.

Submissions (2):

Ambry Genetics
Classification: Uncertain significance for Hereditary cancer-predisposing syndrome. Last evaluated: 2026-08-17. Review status: criteria provided, single submitter. Criteria: Ambry Variant Classification Scheme 2023. Collection method: clinical testing. Allele origin: germline.
Comment: The p.D514E variant (also known as c.1542C>G), located in coding exon 10 of the CDH1 gene, results from a C to G substitution at nucleotide position 1542. The aspartic acid at codon 514 is replaced by glutamic acid, an amino acid with highly similar properties. This amino acid position is conserved. In addition, this alteration is predicted to be deleterious by in silico analysis. Based on the available evidence, the clinical significance of this variant remains unclear.

Women's Health and Genetics/Laboratory Corporation of America, LabCorp
Classification: Uncertain significance. Last evaluated: 2016-08-01. Review status: criteria provided, single submitter. Criteria: LabCorp Variant Classification Summary - May 2015. Collection method: clinical testing. Allele origin: germline.
Comment: Variant summary: The CDH1 c.1542C>G (p.Asp514Glu) variant causes a missense change involving a conserved nucleotide with 3/4 in silico tools (SNPs&GO not captured due to low reliability index)predict a damaging outcome, although these predictions have yet to be functionally assessed. The variant of interest was not found in controls (ExAC, 1000 Gs or ESP), nor has it been, to our knowledge, reported in affected individuals via publications and/or reputable databases/clinical laboratories. Therefore, due to limited available information (ie, lack of clinical and functional studies), the variant of interest has been classified as a "Variant of Uncertain Significance (VUS)," until additional information becomes available.

NM_004360.5(CDH1):c.1542C>G (p.Asp514Glu)

Gene: CDH1 (cadherin 1; plus strand). Cytogenetic location: 16q22.1.
Variant type: single nucleotide variant.
Coding change: c.1542C>G on transcript NM_004360.5 (MANE Select); coding-DNA position 1542, C replaced by G.
Protein change: p.Asp514Glu; replaces aspartic acid 514 with glutamic acid.
Molecular consequence: missense variant. On other transcripts: 5 prime UTR variant (2).
Genome position (GRCh38, 1-based): chr16:68,815,736, C>G. VCF-style: chr16-68815736-C-G. GRCh37 (hg19) VCF-style: chr16-68849639-C-G.
Other names: c.1542C>G (LRG_301t1); c.1359C>G, p.Asp453Glu (NM_001317184.2); c.-7C>G (NM_001317185.2); c.-278C>G (NM_001317186.2); short protein forms D514E, D453E.
Identifiers: ClinVar variation 496229 (VCV000496229.2), dbSNP rs1555516187, ClinGen allele CA396463544.
Genomic context (GRCh38, chr16:68,815,736, plus strand): 5'-AGTGTCCGAGGACTTTGGCGTGGGCCAGGAAATCACATCCTACACTGCCCAGGAGCCAGA[C>G]ACATTTATGGAACAGAAAATAACGTAAGTGTGAGGATTTTTCAACTGACTTGCAGCAACT-3'
Protein context (NP_004351.1, residues 504-524): EITSYTAQEP[Asp514Glu]TFMEQKITYR